The following is an entry in ClinVar:

ClinVar aggregate classification (germline): Likely pathogenic. Review status: criteria provided, multiple submitters, no conflicts (2 of 4 stars). 2 submissions from 2 submitters: Likely pathogenic (2). Last evaluated 2024-01-23.

Conditions:
Corticosterone 18-monooxygenase deficiency. Also called: ALDOSTERONE DEFICIENCY DUE TO DEFECT IN STEROID 18-HYDROXYLASE; ALDOSTERONE DEFICIENCY I; CMO I DEFICIENCY; STEROID 18-HYDROXYLASE DEFICIENCY; 18 Hydroxylase deficiency; Aldosterone deficiency due to defect in 18 hydroxylase. Identifiers: Orphanet 427, MedGen C0268293, MONDO:0008751, OMIM 203400. Disease mechanism: loss of function.
Corticosterone methyloxidase type 2 deficiency. Also called: 18-OXIDASE DEFICIENCY; ALDOSTERONE DEFICIENCY DUE TO DEFICIENCY OF STEROID 18-OXIDASE; ALDOSTERONE DEFICIENCY II; CMO II DEFICIENCY; STEROID 18-OXIDASE DEFICIENCY. Identifiers: Orphanet 427, MedGen C3463917, MONDO:0012524, OMIM 610600. Disease mechanism: loss of function.

Allele frequency attached by ClinVar (database versions not stated): gnomAD exomes below 0.00001.
gnomAD v4.1: 2 of 1,610,916 alleles (0.00012%); highest among the groups gnomAD compares: Non-Finnish European, 0.00017%; no homozygotes.

Submissions (2):

Fulgent Genetics
Classification: Likely pathogenic for Corticosterone 18-monooxygenase deficiency; Corticosterone methyloxidase type 2 deficiency. Last evaluated: 2024-01-23. Review status: criteria provided, single submitter. Criteria: ACMG Guidelines, 2015. Collection method: clinical testing. Allele origin: germline.

Labcorp Genetics (formerly Invitae), Labcorp
Classification: Likely pathogenic. Last evaluated: 2023-05-07. Review status: criteria provided, single submitter. Criteria: Invitae Variant Classification Sherloc (09022015). Collection method: clinical testing. Allele origin: germline.
Comment: In summary, the currently available evidence indicates that the variant is pathogenic, but additional data are needed to prove that conclusively. Therefore, this variant has been classified as Likely Pathogenic. Algorithms developed to predict the effect of sequence changes on RNA splicing suggest that this variant may disrupt the consensus splice site. This variant has not been reported in the literature in individuals affected with CYP11B2-related conditions. This variant is not present in population databases (gnomAD no frequency). This sequence change affects an acceptor splice site in intron 4 of the CYP11B2 gene. It is expected to disrupt RNA splicing. Variants that disrupt the donor or acceptor splice site typically lead to a loss of protein function (PMID: 16199547), and loss-of-function variants in CYP11B2 are known to be pathogenic (PMID: 20494601, 22801770, 26936515).

Literature cited by the submitters: PubMed 16199547 (cited by Labcorp Genetics (formerly Invitae), Labcorp); PubMed 20494601 (cited by Labcorp Genetics (formerly Invitae), Labcorp); PubMed 22801770 (cited by Labcorp Genetics (formerly Invitae), Labcorp); PubMed 26936515 (cited by Labcorp Genetics (formerly Invitae), Labcorp).

NM_000498.3(CYP11B2):c.800-2A>C

Genes: CYP11B2 (cytochrome P450 family 11 subfamily B member 2; minus strand), LOC106799834 (CYP11B2 recombination region; plus strand). Cytogenetic location: 8q24.3.
Variant type: single nucleotide variant.
Coding change: c.800-2A>C on transcript NM_000498.3 (MANE Select); the canonical splice acceptor site of the intron before coding-DNA position 800, A replaced by C.
Molecular consequence: splice acceptor variant.
Genome position (GRCh38, 1-based): chr8:142,914,420, T>G on the plus strand (A>C on the coding strand, the complement: CYP11B2 is on the minus strand). VCF-style: chr8-142914420-T-G. GRCh37 (hg19) VCF-style: chr8-143995836-T-G.
Identifiers: ClinVar variation 2861445 (VCV002861445.4), dbSNP rs746973873, ClinGen allele CA372389019.